The following is an entry in ClinVar:

ClinVar aggregate classification (germline): Pathogenic/Likely pathogenic. Review status: criteria provided, multiple submitters, no conflicts (2 of 4 stars). 6 submissions from 5 submitters: Pathogenic (2); Likely pathogenic (2). 2 of the submissions do not count toward it. Last evaluated 2023-06-06.

Conditions:
Neurofibromatosis, familial spinal (FSNF). Identifiers: Orphanet 636, MedGen C1834235, MONDO:0008078, OMIM 162210. Disease mechanism: loss of function.
Neurofibromatosis-Noonan syndrome (NFNS). Also called: NEUROFIBROMATOSIS WITH NOONAN PHENOTYPE. Identifiers: Orphanet 638, MedGen C2931482, MONDO:0011035, OMIM 601321. Disease mechanism: loss of function.
Café-au-lait macules with pulmonary stenosis (WTSN). Also called: PULMONIC STENOSIS WITH CAFE-AU-LAIT SPOTS. Identifiers: MedGen C0553586, MONDO:0008672, OMIM 193520.
Juvenile myelomonocytic leukemia (JMML). Also called: LEUKEMIA, JUVENILE MYELOMONOCYTIC, SOMATIC. Identifiers: Orphanet 86834, MedGen C0349639, MONDO:0011908, OMIM 607785, HP:0012209.
Neurofibromatosis, type 1 (NF1). Also called: VON RECKLINGHAUSEN DISEASE; NEUROFIBROMATOSIS, TYPE I, SOMATIC; Peripheral type neurofibromatosis; Neurofibromatosis, type I. Identifiers: Orphanet 636, MedGen C0027831, MONDO:0018975, OMIM 162200. Disease mechanism: loss of function.

Submissions (6):

Labcorp Genetics (formerly Invitae), Labcorp
Classification: Pathogenic for Neurofibromatosis, type 1. Last evaluated: 2023-06-06. Review status: criteria provided, single submitter. Criteria: Invitae Variant Classification Sherloc (09022015). Collection method: clinical testing. Allele origin: germline.
Comment: This sequence change replaces leucine, which is neutral and non-polar, with proline, which is neutral and non-polar, at codon 357 of the NF1 protein (p.Leu357Pro). This variant is not present in population databases (gnomAD no frequency). This missense change has been observed in individual(s) with a diagnosis or clinical features of neurofibromatosis type 1 (PMID: 10712197, 12566521, 19221814, 30530636). It has also been observed to segregate with disease in related individuals. ClinVar contains an entry for this variant (Variation ID: 368). Advanced modeling of protein sequence and biophysical properties (such as structural, functional, and spatial information, amino acid conservation, physicochemical variation, residue mobility, and thermodynamic stability) performed at Invitae indicates that this missense variant is expected to disrupt NF1 protein function. For these reasons, this variant has been classified as Pathogenic.

Fulgent Genetics
Classification: Likely pathogenic for Neurofibromatosis, type 1; Neurofibromatosis, familial spinal; Café-au-lait macules with pulmonary stenosis; Neurofibromatosis-Noonan syndrome; Juvenile myelomonocytic leukemia. Last evaluated: 2022-01-04. Review status: criteria provided, single submitter. Criteria: ACMG Guidelines, 2015. Collection method: clinical testing. Allele origin: unknown.

Quest Diagnostics Nichols Institute San Juan Capistrano
Classification: Likely pathogenic. Last evaluated: 2021-07-23. Review status: criteria provided, single submitter. Criteria: Quest Diagnostics criteria. Collection method: clinical testing. Allele origin: unknown.
Comment: This variant has been reported in individuals and families affected with Neurofibromatosis type 1 including spinal tumors and breast cancer in the published literature (PMIDs: 10712197 (2000), 12566521 (2003), 19221814 (2009), and 30530636 (2019)). Analysis of this variant using bioinformatics tools for the prediction of the effect of amino acid changes on protein structure and function yielded predictions that this variant is disease causing and damaging. Based on the available information, the variant is predicted to be likely pathogenic.

Center for Human Genetics, Inc
Classification: Pathogenic for Neurofibromatosis, type 1. Last evaluated: 2016-11-01. Review status: criteria provided, single submitter. Criteria: ACMG Guidelines, 2015. Collection method: clinical testing. Allele origin: germline. Affected: yes.

OMIM
Classification: Pathogenic for NEUROFIBROMATOSIS, TYPE I. Last evaluated: 2000-03-01. Review status: no assertion criteria provided. Collection method: literature only. Allele origin: germline. Not counted in ClinVar's aggregate classification.

OMIM
Classification: Pathogenic for NEUROFIBROMATOSIS, FAMILIAL SPINAL. Last evaluated: 2000-03-01. Review status: no assertion criteria provided. Collection method: literature only. Allele origin: germline. Not counted in ClinVar's aggregate classification.

Literature cited by the submitters: PubMed 10712197 (cited by 3 submitters); PubMed 12566521 (cited by Labcorp Genetics (formerly Invitae), Labcorp and Quest Diagnostics Nichols Institute San Juan Capistrano); PubMed 19221814 (cited by Labcorp Genetics (formerly Invitae), Labcorp and Quest Diagnostics Nichols Institute San Juan Capistrano); PubMed 30530636 (cited by Labcorp Genetics (formerly Invitae), Labcorp and Quest Diagnostics Nichols Institute San Juan Capistrano); PubMed 9132486 (cited by Quest Diagnostics Nichols Institute San Juan Capistrano and OMIM); PubMed 15858190 (cited by Quest Diagnostics Nichols Institute San Juan Capistrano); PubMed 10862084 (cited by OMIM).

NM_001042492.3(NF1):c.1070T>C (p.Leu357Pro)

Gene: NF1 (neurofibromin 1; plus strand). Cytogenetic location: 17q11.2.
Variant type: single nucleotide variant.
Coding change: c.1070T>C on transcript NM_001042492.3 (MANE Select); coding-DNA position 1070, T replaced by C.
Protein change: p.Leu357Pro; replaces leucine 357 with proline.
Molecular consequence: missense variant.
Genome position (GRCh38, 1-based): chr17:31,201,044, T>C. VCF-style: chr17-31201044-T-C. GRCh37 (hg19) VCF-style: chr17-29528062-T-C.
Other names: c.1070T>C, p.Leu357Pro (NM_000267.4, NM_001128147.3); short protein forms L357P.
Identifiers: ClinVar variation 368 (VCV000000368.6), dbSNP rs137854563, ClinGen allele CA212552.
Genomic context (GRCh38, chr17:31,201,044, plus strand): 5'-GAAATACTGCATGGGTATTTAAAGGCTTTTGTTTTCTGTTGGGGTTTTTATAGAACCTGC[T>C]TTTTAATCCAAGTAAGCCATTCTCAAGAGGCAGTCAGCCTGCAGATGTGGATCTAATGAT-3'
Protein context (NP_001035957.1, residues 347-367): QSMVVDLKNL[Leu357Pro]FNPSKPFSRG